The following is an entry in ClinVar:

NM_002519.3(NPAT):c.2504T>A (p.Phe835Tyr)

Gene: NPAT (nuclear protein, coactivator of histone transcription; minus strand). Cytogenetic location: 11q22.3.
Variant type: single nucleotide variant.
Coding change: c.2504T>A on transcript NM_002519.3 (MANE Select); coding-DNA position 2504, T replaced by A.
Protein change: p.Phe835Tyr; replaces phenylalanine 835 with tyrosine.
Molecular consequence: missense variant.
Genome position (GRCh38, 1-based): chr11:108,172,480, A>T on the plus strand (T>A on the coding strand, the complement: NPAT is on the minus strand). VCF-style: chr11-108172480-A-T. GRCh37 (hg19) VCF-style: chr11-108043207-A-T.
Other names: c.2504T>A, p.Phe835Tyr (NM_001321307.1); short protein forms F835Y.
Identifiers: ClinVar variation 3222538 (VCV003222538.1), dbSNP rs752986859, ClinGen allele CA6263801.

ClinVar aggregate classification (germline): Uncertain significance (1 of 4 stars; one submission).

Allele frequency attached by ClinVar (database versions not stated): ExAC 0.00001; gnomAD 0.00001.
gnomAD v4.1: 1 of 1,614,084 alleles (0.000062%); highest among the groups gnomAD compares: Non-Finnish European, 0.000085%; no homozygotes.

Submission:

Ambry Genetics
Classification: Uncertain significance. Last evaluated: 2024-02-01. Review status: criteria provided, single submitter. Criteria: Ambry Variant Classification Scheme 2023. Collection method: clinical testing. Allele origin: germline.
Comment: The p.F835Y variant (also known as c.2504T>A), located in coding exon 13 of the NPAT gene, results from a T to A substitution at nucleotide position 2504. The phenylalanine at codon 835 is replaced by tyrosine, an amino acid with highly similar properties. This amino acid position is conserved. In addition, this alteration is predicted to be tolerated by in silico analysis. Based on the available evidence, the clinical significance of this alteration remains unclear.